The following is an entry in ClinVar:

NM_001195263.2(PDZD7):c.499_515del (p.Gly167fs)

Gene: PDZD7 (PDZ domain containing 7; minus strand). Cytogenetic location: 10q24.31.
Variant type: Deletion.
Coding change: c.499_515del on transcript NM_001195263.2 (MANE Select); coding-DNA positions 499 to 515, 17 bases deleted (GGCCGTGTGCCGGGCAT).
Protein change: p.Gly167fs; shifts the reading frame from glycine 167.
Molecular consequence: frameshift variant.
Genome position (GRCh38, 1-based): chr10:101,023,463-101,023,479, ATGCCCGGCACACGGCC deleted on the plus strand (GGCCGTGTGCCGGGCAT on the coding strand, the reverse complement: PDZD7 is on the minus strand). VCF-style (leftmost placement, unchanged base first): chr10-101023462-GATGCCCGGCACACGGCC-G. GRCh37 (hg19) VCF-style: chr10-102783219-GATGCCCGGCACACGGCC-G.
Other names: c.499_515del, p.Gly167fs (NM_001351044.2, NM_001437429.1, NM_024895.5); short protein forms G167fs.
Identifiers: ClinVar variation 5007457 (VCV005007457.2).

ClinVar aggregate classification (germline): Likely pathogenic (1 of 4 stars; one submission).

Conditions:
Hearing loss, autosomal recessive 57. Also called: DEAFNESS, AUTOSOMAL RECESSIVE 57. Identifiers: MedGen C4693893, MONDO:0033201, OMIM 618003.
Usher syndrome type 2C. Also called: Usher syndrome, type 2B; USHER SYNDROME, TYPE IIC. Identifiers: Orphanet 231178, Orphanet 886, MedGen C2931213, MONDO:0011558, OMIM 605472.
Usher syndrome type 2A. Also called: RETINAL DISEASE IN USHER SYNDROME TYPE IIA, MODIFIER OF; USHER SYNDROME, TYPE IIA. Identifiers: Orphanet 231178, Orphanet 886, MedGen C1848634, MONDO:0010169, OMIM 276901.

Submission:

Juno Genomics, Hangzhou Juno Genomics, Inc
Classification: Likely pathogenic for Usher syndrome type 2C; Usher syndrome type 2A; Hearing loss, autosomal recessive 57. Review status: criteria provided, single submitter. Criteria: ACMG Guidelines, 2015. Collection method: clinical testing. Allele origin: germline.
Comment: Null variant in a gene where loss of function (LOF) is a known mechanism of disease.;Absent from controls (or at extremely low frequency if recessive) in Genome Aggregation Database.